The following is an entry in ClinVar:

ClinVar aggregate classification (germline): Conflicting classifications of pathogenicity. Review status: criteria provided, conflicting classifications (1 of 4 stars). 6 submissions from 6 submitters: Uncertain significance (4); Benign (1); Likely benign (1). Last evaluated 2026-01-14.

Conditions:
Hereditary cancer-predisposing syndrome. Also called: Hereditary neoplastic syndrome; Tumor predisposition; Hereditary Cancer Syndrome; Neoplastic Syndromes, Hereditary. Identifiers: Orphanet 140162, MedGen C0027672, MeSH D009386, MONDO:0015356.
Neuroblastoma, susceptibility to, 3. Also called: ALK-Related Neuroblastic Tumor Susceptibility. Identifiers: Orphanet 635, MedGen C2751681, MONDO:0013083, OMIM 613014.

Allele frequency attached by ClinVar (database versions not stated): gnomAD 0.00012 and 0.00013; gnomAD exomes 0.00011 and 0.00023; ExAC 0.00012; TOPMed 0.00014; ESP Exome Variant Server 0.00008.
gnomAD v4.1: 352 of 1,614,038 alleles (0.022%); highest among the groups gnomAD compares: Non-Finnish European, 0.028%; no homozygotes.

Submissions (6):

Labcorp Genetics (formerly Invitae), Labcorp
Classification: Uncertain significance for Neuroblastoma, susceptibility to, 3. Last evaluated: 2026-01-14. Review status: criteria provided, single submitter. Criteria: Invitae Variant Classification Sherloc (09022015). Collection method: clinical testing. Allele origin: germline.
Comment: This sequence change replaces proline, which is neutral and non-polar, with serine, which is neutral and polar, at codon 1599 of the ALK protein (p.Pro1599Ser). This variant is present in population databases (rs373037272, gnomAD 0.03%). This variant has not been reported in the literature in individuals affected with ALK-related conditions. ClinVar contains an entry for this variant (Variation ID: 404336). An algorithm developed to predict the effect of missense changes on protein structure and function (PolyPhen-2) suggests that this variant is likely to be tolerated. In summary, the available evidence is currently insufficient to determine the role of this variant in disease. Therefore, it has been classified as a Variant of Uncertain Significance.

St. Jude Molecular Pathology, St. Jude Children's Research Hospital
Classification: Uncertain significance for Neuroblastoma, susceptibility to, 3. Last evaluated: 2025-06-17. Review status: criteria provided, single submitter. Criteria: St. Jude Assertion Criteria 2020. Collection method: clinical testing. Allele origin: germline.
Comment: The ALK c.4795C>T p.(Pro1599Ser) missense change has a maximum subpopulation frequency of 0.024% in gnomAD v2.1.1. The in silico tool REVEL predicts a benign effect on protein function, but to our knowledge this prediction has not been confirmed by functional studies. To our knowledge, this variant has not been reported in the literature in individuals with ALK-related neuroblastic tumor susceptibility. In summary, the evidence currently available is insufficient to determine the clinical significance of this variant. It has therefore been classified as of uncertain significance.

GeneDx
Classification: Uncertain significance. Last evaluated: 2024-07-12. Review status: criteria provided, single submitter. Criteria: GeneDx Variant Classification Process June 2021. Collection method: clinical testing. Allele origin: germline.
Comment: In silico analysis supports that this missense variant has a deleterious effect on protein structure/function; Has not been previously published as pathogenic or benign to our knowledge

Ambry Genetics
Classification: Benign for Hereditary cancer-predisposing syndrome. Last evaluated: 2024-06-26. Review status: criteria provided, single submitter. Criteria: Ambry Variant Classification Scheme 2023. Collection method: clinical testing. Allele origin: germline.

Baylor Genetics
Classification: Uncertain significance for Neuroblastoma, susceptibility to, 3. Last evaluated: 2023-10-14. Review status: criteria provided, single submitter. Criteria: ACMG Guidelines, 2015. Collection method: clinical testing. Allele origin: unknown.

Illumina Laboratory Services, Illumina
Classification: Likely benign for Neuroblastoma, susceptibility to, 3. Last evaluated: 2018-01-13. Review status: criteria provided, single submitter. Criteria: ICSL Variant Classification Criteria 13 December 2019. Collection method: clinical testing. Allele origin: germline.
Comment: This variant was observed in the ICSL laboratory as part of a predisposition screen in an ostensibly healthy population. It had not been previously curated by ICSL or reported in the Human Gene Mutation Database (HGMD: prior to June 1st, 2018), and was therefore a candidate for classification through an automated scoring system. Utilizing variant allele frequency, disease prevalence and penetrance estimates, and inheritance mode, an automated score was calculated to assess if this variant is too frequent to cause the disease. Based on the score and internal cut-off values, a variant classified as likely benign is not then subjected to further curation. The score for this variant resulted in a classification of likely benign for this disease.

NM_004304.5(ALK):c.4795C>T (p.Pro1599Ser)

Gene: ALK (ALK receptor tyrosine kinase; minus strand). Cytogenetic location: 2p23.2.
Variant type: single nucleotide variant.
Coding change: c.4795C>T on transcript NM_004304.5 (MANE Select); coding-DNA position 4795, C replaced by T.
Protein change: p.Pro1599Ser; replaces proline 1599 with serine.
Molecular consequence: missense variant.
Genome position (GRCh38, 1-based): chr2:29,193,292, G>A on the plus strand (C>T on the coding strand, the complement: ALK is on the minus strand). VCF-style: chr2-29193292-G-A. GRCh37 (hg19) VCF-style: chr2-29416158-G-A.
Other names: c.1591C>T, p.Pro531Ser (NM_001353765.2); short protein forms P1599S, P531S.
Identifiers: ClinVar variation 404336 (VCV000404336.23), dbSNP rs373037272, ClinGen allele CA1593480.
Genomic context (GRCh38, chr2:29,193,292, plus strand): 5'-CAGGCTGGTTCATGCTATTCTTGCTTTTCAGAATGGTATCCTCGTAATGACCAGCTCCAG[G>A]GGCAGTAGCGGCTTCTAAGGGCAAGCCCTGTTGCTGGTAGCCGTAATTGACATTCCCACA-3'
Protein context (NP_004295.2, residues 1589-1609): QGLPLEAATA[Pro1599Ser]GAGHYEDTIL